The following is an entry in ClinVar:

NM_004370.6(COL12A1):c.5338G>A (p.Val1780Met)

Gene: COL12A1 (collagen type XII alpha 1 chain; minus strand). Cytogenetic location: 6q13.
Variant type: single nucleotide variant.
Coding change: c.5338G>A on transcript NM_004370.6 (MANE Select); coding-DNA position 5338, G replaced by A.
Protein change: p.Val1780Met; replaces valine 1780 with methionine.
Molecular consequence: missense variant.
Genome position (GRCh38, 1-based): chr6:75,137,493, C>T on the plus strand (G>A on the coding strand, the complement: COL12A1 is on the minus strand). VCF-style: chr6-75137493-C-T. GRCh37 (hg19) VCF-style: chr6-75847209-C-T.
Other names: c.1846G>A, p.Val616Met (NM_080645.3); short protein forms V1780M, V616M.
Identifiers: ClinVar variation 952110 (VCV000952110.14), dbSNP rs1766678485, ClinGen allele CA364737551.

ClinVar aggregate classification (germline): Uncertain significance. Review status: criteria provided, multiple submitters, no conflicts (2 of 4 stars). 2 submissions from 2 submitters: Uncertain significance (2). Last evaluated 2024-04-29.

Conditions:
Ullrich congenital muscular dystrophy 2 (UCMD2). Identifiers: Orphanet 75840, MedGen C4225314, MONDO:0014654, OMIM 616470.
Bethlem myopathy 2 (BTHLM2). Identifiers: Orphanet 536516, Orphanet 610, MedGen C4225313, MONDO:0034022, OMIM 616471.

Submissions (2):

GeneDx
Classification: Uncertain significance. Last evaluated: 2024-04-29. Review status: criteria provided, single submitter. Criteria: GeneDx Variant Classification Process June 2021. Collection method: clinical testing. Allele origin: germline. Affected: yes.
Comment: Not observed at significant frequency in large population cohorts (gnomAD); In silico analysis supports that this missense variant does not alter protein structure/function; Has not been previously published as pathogenic or benign to our knowledge

Labcorp Genetics (formerly Invitae), Labcorp
Classification: Uncertain significance for Bethlem myopathy 2; Ullrich congenital muscular dystrophy 2. Last evaluated: 2022-09-01. Review status: criteria provided, single submitter. Criteria: Invitae Variant Classification Sherloc (09022015). Collection method: clinical testing. Allele origin: germline.
Comment: This variant is not present in population databases (gnomAD no frequency). In summary, the available evidence is currently insufficient to determine the role of this variant in disease. Therefore, it has been classified as a Variant of Uncertain Significance. Algorithms developed to predict the effect of missense changes on protein structure and function are either unavailable or do not agree on the potential impact of this missense change (SIFT: "Deleterious"; PolyPhen-2: "Probably Damaging"; Align-GVGD: "Class C0"). ClinVar contains an entry for this variant (Variation ID: 952110). This variant has not been reported in the literature in individuals affected with COL12A1-related conditions. This sequence change replaces valine, which is neutral and non-polar, with methionine, which is neutral and non-polar, at codon 1780 of the COL12A1 protein (p.Val1780Met).